The following is an entry in ClinVar:

ClinVar aggregate classification (germline): Uncertain significance (0 of 4 stars; one submission).

Conditions:
SEMA3A-related disorder. Also called: SEMA3A-related condition.

Allele frequency attached by ClinVar (database versions not stated): TOPMed below 0.00001; gnomAD 0.00001.

Submission:

PreventionGenetics, part of Exact Sciences
Classification: Uncertain significance for SEMA3A-related condition. Last evaluated: 2024-01-30. Review status: no assertion criteria provided. Collection method: clinical testing. Allele origin: germline.
Comment: The SEMA3A c.1616G>C variant is predicted to result in the amino acid substitution p.Gly539Ala. To our knowledge, this variant has not been reported in the literature or in a large population database, indicating this variant is rare. At this time, the clinical significance of this variant is uncertain due to the absence of conclusive functional and genetic evidence.

NM_006080.3(SEMA3A):c.1616G>C (p.Gly539Ala)

Gene: SEMA3A (semaphorin 3A; minus strand). Cytogenetic location: 7q21.11.
Variant type: single nucleotide variant.
Coding change: c.1616G>C on transcript NM_006080.3 (MANE Select); coding-DNA position 1616, G replaced by C.
Protein change: p.Gly539Ala; replaces glycine 539 with alanine.
Molecular consequence: missense variant.
Genome position (GRCh38, 1-based): chr7:83,981,357, C>G on the plus strand (G>C on the coding strand, the complement: SEMA3A is on the minus strand). VCF-style: chr7-83981357-C-G. GRCh37 (hg19) VCF-style: chr7-83610673-C-G.
Other names: short protein forms G539A.
Identifiers: ClinVar variation 3054306 (VCV003054306.2), dbSNP rs1406744026, ClinGen allele CA367948789.